The following is an entry in ClinVar:

NM_001376.5(DYNC1H1):c.4959C>G (p.His1653Gln)

Gene: DYNC1H1 (dynein cytoplasmic 1 heavy chain 1; plus strand). Cytogenetic location: 14q32.31.
Variant type: single nucleotide variant.
Coding change: c.4959C>G on transcript NM_001376.5 (MANE Select); coding-DNA position 4959, C replaced by G.
Protein change: p.His1653Gln; replaces histidine 1653 with glutamine.
Molecular consequence: missense variant.
Genome position (GRCh38, 1-based): chr14:102,004,593, C>G. VCF-style: chr14-102004593-C-G. GRCh37 (hg19) VCF-style: chr14-102470930-C-G.
Other names: short protein forms H1653Q.
Identifiers: ClinVar variation 4723545 (VCV004723545.1).
Genomic context (GRCh38, chr14:102,004,593, plus strand): 5'-TGATGAAGATTTGCTTGAAATCATTGGAAACAGCAAGAATGTCGCTAAATTACAGAAACA[C>G]TTCAAGAAGATGTTTGCTGGAGTTTCGAGCATCATCCTGAACGAGGATAACTCTGTTGTT-3'
Protein context (NP_001367.2, residues 1643-1663): NSKNVAKLQK[His1653Gln]FKKMFAGVSS

ClinVar aggregate classification (germline): Uncertain significance (1 of 4 stars; one submission).

Conditions:
Charcot-Marie-Tooth disease axonal type 2O. Also called: CHARCOT-MARIE-TOOTH NEUROPATHY, AXONAL, TYPE 2O; CHARCOT-MARIE-TOOTH DISEASE, AXONAL, AUTOSOMAL DOMINANT, TYPE 2O; Charcot-Marie-Tooth Neuropathy Type 2O; Charcot-Marie-Tooth disease, axonal, type 20. Identifiers: Orphanet 284232, MedGen C3280220, MONDO:0013644, OMIM 614228.

gnomAD v4.1: 1 of 1,614,190 alleles (0.000062%); highest among the groups gnomAD compares: Non-Finnish European, 0.000085%; no homozygotes.

Submission:

Labcorp Genetics (formerly Invitae), Labcorp
Classification: Uncertain significance for Charcot-Marie-Tooth disease axonal type 2O. Last evaluated: 2025-10-26. Review status: criteria provided, single submitter. Criteria: Invitae Variant Classification Sherloc (09022015). Collection method: clinical testing. Allele origin: germline.
Comment: This sequence change replaces histidine, which is basic and polar, with glutamine, which is neutral and polar, at codon 1653 of the DYNC1H1 protein (p.His1653Gln). This variant is not present in population databases (gnomAD no frequency). This variant has not been reported in the literature in individuals affected with DYNC1H1-related conditions. Invitae Evidence Modeling of protein sequence and biophysical properties (such as structural, functional, and spatial information, amino acid conservation, physicochemical variation, residue mobility, and thermodynamic stability) indicates that this missense variant is expected to disrupt DYNC1H1 protein function with a positive predictive value of 95%. In summary, the available evidence is currently insufficient to determine the role of this variant in disease. Therefore, it has been classified as a Variant of Uncertain Significance.